The following is an entry in ClinVar:

NM_001322934.2(NFKB2):c.2594A>G (p.Asp865Gly)

Gene: NFKB2 (nuclear factor kappa B subunit 2; plus strand). Cytogenetic location: 10q24.32.
Variant type: single nucleotide variant.
Coding change: c.2594A>G on transcript NM_001322934.2 (MANE Select); coding-DNA position 2594, A replaced by G.
Protein change: p.Asp865Gly; replaces aspartic acid 865 with glycine.
Molecular consequence: missense variant.
Genome position (GRCh38, 1-based): chr10:102,402,267, A>G. VCF-style: chr10-102402267-A-G. GRCh37 (hg19) VCF-style: chr10-104162024-A-G.
Other names: c.2594A>G, p.Asp865Gly (LRG_1347t1, NM_001077494.3); c.2591A>G, p.Asp864Gly (NM_001261403.3, NM_001288724.1, NM_002502.6); c.2468A>G, p.Asp823Gly (NM_001322935.1); short protein forms D864G, D865G, D823G.
Identifiers: ClinVar variation 155765 (VCV000155765.4), dbSNP rs727502787, ClinGen allele CA211926.

ClinVar aggregate classification (germline): Pathogenic/Likely pathogenic. Review status: criteria provided, multiple submitters, no conflicts (2 of 4 stars). 4 submissions from 4 submitters: Pathogenic (1); Likely pathogenic (1). 2 of the submissions do not count toward it. Last evaluated 2025-09-28.

Conditions:
Immunodeficiency, common variable, 10. Also called: DEFICIT IN ANTERIOR PITUITARY FUNCTION AND VARIABLE IMMUNODEFICIENCY; IMMUNODEFICIENCY, COMMON VARIABLE, WITH CENTRAL ADRENAL INSUFFICIENCY. Identifiers: MedGen C3809991, MONDO:0014260, OMIM 615577.

Submissions (4):

Labcorp Genetics (formerly Invitae), Labcorp
Classification: Likely pathogenic for Immunodeficiency, common variable, 10. Last evaluated: 2025-09-28. Review status: criteria provided, single submitter. Criteria: Invitae Variant Classification Sherloc (09022015). Collection method: clinical testing. Allele origin: germline.
Comment: This sequence change replaces aspartic acid, which is acidic and polar, with glycine, which is neutral and non-polar, at codon 865 of the NFKB2 protein (p.Asp865Gly). This variant is not present in population databases (gnomAD no frequency). This missense change has been observed in individual(s) with common variable immunodeficiency and/or DAVID syndrome (PMID: 25237204, 25524009). In at least one individual the variant was observed to be de novo. ClinVar contains an entry for this variant (Variation ID: 155765). An algorithm developed to predict the effect of missense changes on protein structure and function (PolyPhen-2) suggests that this variant is likely to be disruptive. Experimental studies have shown that this missense change affects NFKB2 function (PMID: 2537204). In summary, the currently available evidence indicates that the variant is pathogenic, but additional data are needed to prove that conclusively. Therefore, this variant has been classified as Likely Pathogenic.

Neuberg Centre For Genomic Medicine, NCGM
Classification: Pathogenic for Immunodeficiency, common variable, 10. Last evaluated: 2024-02-01. Review status: criteria provided, single submitter. Criteria: ACMG Guidelines, 2015. Collection method: clinical testing. Allele origin: germline. Inheritance: Autosomal dominant inheritance.
Comment: The above variant has been reported previously in heterozygous state in multiple individuals affected with common variable immunodeficiency (Lee CE, et al., 2014). In vitro functional expression studies in HEK293 cells showed that the mutation resulted in near absence of proper phosphorylation and processing of NFKB2 p100 to p52 in response to MAP3K14 and decreased nuclear translocation of p65 (Lee CE, et al., 2014). For these reasons, this variant has been classified as Pathogenic.

OMIM
Classification: Pathogenic for IMMUNODEFICIENCY, COMMON VARIABLE, 10. Last evaluated: 2014-12-19. Review status: no assertion criteria provided. Collection method: literature only. Allele origin: germline. Not counted in ClinVar's aggregate classification.

Samuels research lab, Centre de Recherche du CHU Ste-Justine
Classification: Pathogenic for Combined variable immunodeficiency (CVID) with pituitary insufficiency (ACTH deficiency, sometimes with growth hormone or thyroid hormone deficiency). Review status: no assertion criteria provided. Collection method: research. Allele origin: de novo. Affected: yes. Observed: 1 variant allele. Study: FORGE Canada. Not counted in ClinVar's aggregate classification.
Comment: Molecular characterization of rare pediatric disorders in Canada

Literature cited by the submitters: PubMed 25237204 (cited by Labcorp Genetics (formerly Invitae), Labcorp and OMIM); PubMed 25524009 (cited by 3 submitters); PubMed 2537204 (cited by Labcorp Genetics (formerly Invitae), Labcorp); PubMed 22013103 (cited by OMIM).